The following is an entry in ClinVar:

ClinVar aggregate classification (germline): Likely benign (1 of 4 stars; one submission).

Allele frequency attached by ClinVar (database versions not stated): ExAC 0.00001; gnomAD exomes 0.00001 and 0.00002; TOPMed 0.00001; ESP Exome Variant Server 0.00008.

Submission:

GeneDx
Classification: Likely benign. Last evaluated: 2018-04-18. Review status: criteria provided, single submitter. Criteria: GeneDx Variant Classification (06012015). Collection method: clinical testing. Allele origin: germline. Affected: yes.
Comment: This variant is considered likely benign or benign based on one or more of the following criteria: it is a conservative change, it occurs at a poorly conserved position in the protein, it is predicted to be benign by multiple in silico algorithms, and/or has population frequency not consistent with disease.

NM_001372044.2(SHANK3):c.1112+4C>T

Gene: SHANK3 (SH3 and multiple ankyrin repeat domains 3; plus strand). Cytogenetic location: 22q13.33.
Variant type: single nucleotide variant.
Coding change: c.1112+4C>T on transcript NM_001372044.2 (MANE Select); 4 bases into the intron after coding-DNA position 1112, C replaced by T.
Molecular consequence: intron variant.
Genome position (GRCh38, 1-based): chr22:50,679,432, C>T. VCF-style: chr22-50679432-C-T. GRCh37 (hg19) VCF-style: chr22-51117860-C-T.
Other names: c.885+4C>T (NM_033517.1).
Identifiers: ClinVar variation 681906 (VCV000681906.1), dbSNP rs376588105, ClinGen allele CA10325357.